The following is an entry in ClinVar:

ClinVar aggregate classification (germline): Uncertain significance (1 of 4 stars; one submission).

Conditions:
Hereditary cancer-predisposing syndrome. Also called: Neoplastic Syndromes, Hereditary; Tumor predisposition; Hereditary neoplastic syndrome; Hereditary Cancer Syndrome. Identifiers: Orphanet 140162, MedGen C0027672, MeSH D009386, MONDO:0015356.

Submission:

Ambry Genetics
Classification: Uncertain significance for Hereditary cancer-predisposing syndrome. Last evaluated: 2026-08-21. Review status: criteria provided, single submitter. Criteria: Ambry Variant Classification Scheme 2023. Collection method: clinical testing. Allele origin: germline.
Comment: The p.L354H variant (also known as c.1061T>A), located in coding exon 7 of the PTCH1 gene, results from a T to A substitution at nucleotide position 1061. The leucine at codon 354 is replaced by histidine, an amino acid with similar properties. This amino acid position is conserved. In addition, this alteration is predicted to be deleterious by in silico analysis. Based on the available evidence, the clinical significance of this variant remains unclear.

NM_000264.5(PTCH1):c.1061T>A (p.Leu354His)

Gene: PTCH1 (patched 1; minus strand). Cytogenetic location: 9q22.32.
Variant type: single nucleotide variant.
Coding change: c.1061T>A on transcript NM_000264.5 (MANE Select); coding-DNA position 1061, T replaced by A.
Protein change: p.Leu354His; replaces leucine 354 with histidine.
Molecular consequence: missense variant. On other transcripts: non-coding transcript variant (1).
Genome position (GRCh38, 1-based): chr9:95,479,975, A>T on the plus strand (T>A on the coding strand, the complement: PTCH1 is on the minus strand). VCF-style: chr9-95479975-A-T. GRCh37 (hg19) VCF-style: chr9-98242257-A-T.
Other names: c.863T>A, p.Leu288His (NM_001083602.3); c.1058T>A, p.Leu353His (NM_001083603.3); c.608T>A, p.Leu203His (NM_001083604.3, NM_001083605.3, NM_001083606.3 and 1 more transcripts); c.1061T>A, p.Leu354His (NM_001354918.2); short protein forms L288H, L203H, L354H, L353H.
Identifiers: ClinVar variation 5027551 (VCV005027551.1).